The following is an entry in ClinVar:

NM_005219.5(DIAPH1):c.3148+3G>A

Gene: DIAPH1 (diaphanous related formin 1; minus strand). Cytogenetic location: 5q31.3.
Variant type: single nucleotide variant.
Coding change: c.3148+3G>A on transcript NM_005219.5 (MANE Select); 3 bases into the intron after coding-DNA position 3148, G replaced by A.
Molecular consequence: intron variant.
Genome position (GRCh38, 1-based): chr5:141,528,450, C>T on the plus strand (G>A on the coding strand, the complement: DIAPH1 is on the minus strand). VCF-style: chr5-141528450-C-T. GRCh37 (hg19) VCF-style: chr5-140908017-C-T.
Other names: c.3121+3G>A (NM_001079812.3); c.3148+3G>A (NM_001314007.2).
Identifiers: ClinVar variation 1405294 (VCV001405294.6), dbSNP rs374140734, ClinGen allele CA3478889.
Genomic context (GRCh38, chr5:141,528,450, plus strand): 5'-GTGTCTTATTTCCCTCCCCATGCAGAGACTTTTGGGCTCTAGCTTCATTCCAAACTGCCC[C>T]ACCTCGGCTGGCTTTCTCCACATGGGCAAGCTCGTCTGGAAACTTGAGGACATCGGGATA-3'

ClinVar aggregate classification (germline): Uncertain significance (1 of 4 stars; one submission).

Conditions:
Autosomal dominant nonsyndromic hearing loss 1. Also called: KONIGSMARK SYNDROME; DEAFNESS, AUTOSOMAL DOMINANT 1, WITH OR WITHOUT THROMBOCYTOPENIA. Identifiers: Orphanet 90635, MedGen C1852282, MONDO:0007424, OMIM 124900.
Progressive microcephaly-seizures-cortical blindness-developmental delay syndrome. Also called: Seizures, cortical blindness, and microcephaly syndrome. Identifiers: Orphanet 477814, MedGen C5567650, MONDO:0014714, OMIM 616632.

Allele frequency attached by ClinVar (database versions not stated): TOPMed 0.00003; gnomAD 0.00005; ESP Exome Variant Server 0.00008; gnomAD exomes 0.00009 and 0.00011; ExAC 0.00018.
gnomAD v4.1: 149 of 1,614,040 alleles (0.0092%); highest among the groups gnomAD compares: Non-Finnish European, 0.012%; no homozygotes.

Submission:

Labcorp Genetics (formerly Invitae), Labcorp
Classification: Uncertain significance for Progressive microcephaly-seizures-cortical blindness-developmental delay syndrome; Autosomal dominant nonsyndromic hearing loss 1. Last evaluated: 2025-06-09. Review status: criteria provided, single submitter. Criteria: Invitae Variant Classification Sherloc (09022015). Collection method: clinical testing. Allele origin: germline.
Comment: This sequence change falls in intron 23 of the DIAPH1 gene. It does not directly change the encoded amino acid sequence of the DIAPH1 protein. It affects a nucleotide within the consensus splice site. This variant is present in population databases (rs374140734, gnomAD 0.02%). This variant has not been reported in the literature in individuals affected with DIAPH1-related conditions. ClinVar contains an entry for this variant (Variation ID: 1405294). Variants that disrupt the consensus splice site are a relatively common cause of aberrant splicing (PMID: 17576681, 9536098). Algorithms developed to predict the effect of sequence changes on RNA splicing suggest that this variant is not likely to affect RNA splicing. In summary, the available evidence is currently insufficient to determine the role of this variant in disease. Therefore, it has been classified as a Variant of Uncertain Significance.

Literature cited by the submitters: PubMed 17576681; PubMed 9536098.